The following is an entry in ClinVar:

NM_000548.5(TSC2):c.4048G>A (p.Glu1350Lys)

Gene: TSC2 (TSC complex subunit 2; plus strand). Cytogenetic location: 16p13.3.
Variant type: single nucleotide variant.
Coding change: c.4048G>A on transcript NM_000548.5 (MANE Select); coding-DNA position 4048, G replaced by A.
Protein change: p.Glu1350Lys; replaces glutamic acid 1350 with lysine.
Molecular consequence: missense variant.
Genome position (GRCh38, 1-based): chr16:2,084,270, G>A. VCF-style: chr16-2084270-G-A. GRCh37 (hg19) VCF-style: chr16-2134271-G-A.
Other names: c.3739G>A, p.Glu1247Lys (NM_001318827.2); c.3703G>A, p.Glu1235Lys (NM_001318829.2); c.3316G>A, p.Glu1106Lys (NM_001318831.2); c.3880G>A, p.Glu1294Lys (NM_001318832.2); c.3850G>A, p.Glu1284Lys (NM_001363528.2); c.3916G>A, p.Glu1306Lys (NM_001370404.1); c.3919G>A, p.Glu1307Lys (NM_001370405.1, NM_021055.3); c.4045G>A, p.Glu1349Lys (NM_001406663.1); and 26 more; short protein forms E1106K, E1126K, E1130K, E1278K, E1283K, E1314K, E1324K, E1349K.
Identifiers: ClinVar variation 2107466 (VCV002107466.4), dbSNP rs2544256415, ClinGen allele CA394299314.
Genomic context (GRCh38, chr16:2,084,270, plus strand): 5'-TGGGATGGTCCTTTCTAGTCGTCCTCAGTCTCCAGCCAGGAGGAGAAGTCGCTCCACGCG[G>A]AGGAGCTGGTTGGCAGGGGCATCCCCATCGAGCGAGTCGTCTCCTCGGAGGGTGGCCGGC-3'
Protein context (NP_000539.2, residues 1340-1360): SSQEEKSLHA[Glu1350Lys]ELVGRGIPIE

ClinVar aggregate classification (germline): Uncertain significance (1 of 4 stars; one submission).

Conditions:
Tuberous sclerosis 2 (TSC2). Identifiers: Orphanet 805, MedGen C1860707, MONDO:0013199, OMIM 613254.

Submission:

Labcorp Genetics (formerly Invitae), Labcorp
Classification: Uncertain significance for Tuberous sclerosis 2. Last evaluated: 2022-09-17. Review status: criteria provided, single submitter. Criteria: Invitae Variant Classification Sherloc (09022015). Collection method: clinical testing. Allele origin: germline.
Comment: In summary, the available evidence is currently insufficient to determine the role of this variant in disease. Therefore, it has been classified as a Variant of Uncertain Significance. Advanced modeling of protein sequence and biophysical properties (such as structural, functional, and spatial information, amino acid conservation, physicochemical variation, residue mobility, and thermodynamic stability) performed at Invitae indicates that this missense variant is not expected to disrupt TSC2 protein function. This variant has not been reported in the literature in individuals affected with TSC2-related conditions. This variant is not present in population databases (gnomAD no frequency). This sequence change replaces glutamic acid, which is acidic and polar, with lysine, which is basic and polar, at codon 1350 of the TSC2 protein (p.Glu1350Lys).